The following is an entry in ClinVar:

NM_013275.6(ANKRD11):c.2635G>T (p.Glu879Ter)

Gene: ANKRD11 (ankyrin repeat domain 11; minus strand). Cytogenetic location: 16q24.3.
Variant type: single nucleotide variant.
Coding change: c.2635G>T on transcript NM_013275.6 (MANE Select); coding-DNA position 2635, G replaced by T.
Protein change: p.Glu879Ter; replaces glutamic acid 879 with a stop codon.
Molecular consequence: nonsense.
Genome position (GRCh38, 1-based): chr16:89,283,907, C>A on the plus strand (G>T on the coding strand, the complement: ANKRD11 is on the minus strand). VCF-style: chr16-89283907-C-A. GRCh37 (hg19) VCF-style: chr16-89350315-C-A.
Other names: c.2635G>T, p.Glu879Ter (NM_001256182.2, NM_001256183.2); short protein forms E879*.
Identifiers: ClinVar variation 3067687 (VCV003067687.21), dbSNP rs2544240543, ClinGen allele CA397161900.

ClinVar aggregate classification (germline): Pathogenic (1 of 4 stars; one submission).

Submission:

CeGaT Center for Human Genetics Tuebingen
Classification: Pathogenic. Last evaluated: 2024-03-01. Review status: criteria provided, single submitter. Criteria: CeGaT Center For Human Genetics Tuebingen Variant Classification Criteria Version 2. Collection method: clinical testing. Allele origin: germline. Affected: yes. Observed: 1 variant allele.
Comment: ANKRD11: PVS1, PM2, PS2:Moderate